The following is an entry in ClinVar:

ClinVar aggregate classification (germline): Uncertain significance (1 of 4 stars; one submission).

Conditions:
Atypical glycine encephalopathy. Also called: Glycine encephalopathy with normal serum glycine. Identifiers: Orphanet 289863, MedGen C4310943, MONDO:0015010, OMIM 617301.

Allele frequency attached by ClinVar (database versions not stated): ExAC 0.00002; gnomAD 0.00003; TOPMed 0.00002; ESP Exome Variant Server 0.00008; gnomAD exomes 0.00001.
gnomAD v4.1: 8 of 1,614,096 alleles (0.0005%); highest among the groups gnomAD compares: African/African-American, 0.0053%; no homozygotes.

Submission:

Labcorp Genetics (formerly Invitae), Labcorp
Classification: Uncertain significance for Atypical glycine encephalopathy. Last evaluated: 2023-04-24. Review status: criteria provided, single submitter. Criteria: Invitae Variant Classification Sherloc (09022015). Collection method: clinical testing. Allele origin: germline.
Comment: In summary, the available evidence is currently insufficient to determine the role of this variant in disease. Therefore, it has been classified as a Variant of Uncertain Significance. An algorithm developed to predict the effect of missense changes on protein structure and function (PolyPhen-2) suggests that this variant is likely to be disruptive. ClinVar contains an entry for this variant (Variation ID: 2058070). This variant has not been reported in the literature in individuals affected with SLC6A9-related conditions. This variant is present in population databases (rs369503630, gnomAD 0.007%). This sequence change replaces tyrosine, which is neutral and polar, with cysteine, which is neutral and slightly polar, at codon 409 of the SLC6A9 protein (p.Tyr409Cys).

NM_001024845.3(SLC6A9):c.1007A>G (p.Tyr336Cys)

Gene: SLC6A9 (solute carrier family 6 member 9; minus strand). Cytogenetic location: 1p34.1.
Variant type: single nucleotide variant.
Coding change: c.1007A>G on transcript NM_001024845.3 (MANE Select); coding-DNA position 1007, A replaced by G.
Protein change: p.Tyr336Cys; replaces tyrosine 336 with cysteine.
Molecular consequence: missense variant. On other transcripts: non-coding transcript variant (1).
Genome position (GRCh38, 1-based): chr1:44,001,583, T>C on the plus strand (A>G on the coding strand, the complement: SLC6A9 is on the minus strand). VCF-style: chr1-44001583-T-C. GRCh37 (hg19) VCF-style: chr1-44467255-T-C.
Other names: c.1019A>G, p.Tyr340Cys (NM_001261380.2); c.674A>G, p.Tyr225Cys (NM_001328626.2, NM_001328630.2); c.944A>G, p.Tyr315Cys (NM_001328627.1); c.812A>G, p.Tyr271Cys (NM_001328628.1); c.1007A>G, p.Tyr336Cys (NM_001328629.1); c.1064A>G, p.Tyr355Cys (NM_006934.4); c.1226A>G, p.Tyr409Cys (NM_201649.4); short protein forms Y225C, Y271C, Y315C, Y355C, Y409C, Y340C, Y336C.
Identifiers: ClinVar variation 2058070 (VCV002058070.4), dbSNP rs369503630, ClinGen allele CA817622.